The following is an entry in ClinVar:

ClinVar aggregate classification (germline): Uncertain significance (1 of 4 stars; one submission).

Submission:

Labcorp Genetics (formerly Invitae), Labcorp
Classification: Uncertain significance. Last evaluated: 2022-06-08. Review status: criteria provided, single submitter. Criteria: Invitae Variant Classification Sherloc (09022015). Collection method: clinical testing. Allele origin: germline.
Comment: In summary, the available evidence is currently insufficient to determine the role of this variant in disease. Therefore, it has been classified as a Variant of Uncertain Significance. Algorithms developed to predict the effect of missense changes on protein structure and function are either unavailable or do not agree on the potential impact of this missense change (SIFT: "Deleterious"; PolyPhen-2: "Benign"; Align-GVGD: "Class C35"). This variant has not been reported in the literature in individuals affected with ISCA1-related conditions. This variant is not present in population databases (gnomAD no frequency). This sequence change replaces arginine, which is basic and polar, with serine, which is neutral and polar, at codon 83 of the ISCA1 protein (p.Arg83Ser).

NM_030940.4(ISCA1):c.249A>T (p.Arg83Ser)

Gene: ISCA1 (iron-sulfur cluster assembly 1; minus strand). Cytogenetic location: 9q21.33.
Variant type: single nucleotide variant.
Coding change: c.249A>T on transcript NM_030940.4 (MANE Select); coding-DNA position 249, A replaced by T.
Protein change: p.Arg83Ser; replaces arginine 83 with serine.
Molecular consequence: missense variant.
Genome position (GRCh38, 1-based): chr9:86,266,184, T>A on the plus strand (A>T on the coding strand, the complement: ISCA1 is on the minus strand). VCF-style: chr9-86266184-T-A. GRCh37 (hg19) VCF-style: chr9-88881099-T-A.
Other names: short protein forms R83S.
Identifiers: ClinVar variation 2003422 (VCV002003422.4), dbSNP rs2489621566, ClinGen allele CA373946504.